The following is an entry in ClinVar:

ClinVar aggregate classification (germline): Uncertain significance (1 of 4 stars; one submission).

Conditions:
Hereditary cancer-predisposing syndrome. Also called: Hereditary Cancer Syndrome; Hereditary neoplastic syndrome; Neoplastic Syndromes, Hereditary; Tumor predisposition. Identifiers: Orphanet 140162, MedGen C0027672, MeSH D009386, MONDO:0015356.

Submission:

Ambry Genetics
Classification: Uncertain significance for Hereditary cancer-predisposing syndrome. Last evaluated: 2025-06-30. Review status: criteria provided, single submitter. Criteria: Ambry Variant Classification Scheme 2023. Collection method: clinical testing. Allele origin: germline.
Comment: The p.D381H variant (also known as c.1141G>C), located in coding exon 11 of the FANCC gene, results from a G to C substitution at nucleotide position 1141. The aspartic acid at codon 381 is replaced by histidine, an amino acid with similar properties. This amino acid position is conserved. In addition, this alteration is predicted to be tolerated by in silico analysis. Based on the available evidence, the clinical significance of this variant remains unclear.

NM_000136.3(FANCC):c.1141G>C (p.Asp381His)

Genes: AOPEP (aminopeptidase O (putative); plus strand), FANCC (FA complementation group C; minus strand). Cytogenetic location: 9q22.32.
Variant type: single nucleotide variant.
Coding change: c.1141G>C on transcript NM_000136.3 (MANE Select); coding-DNA position 1141, G replaced by C.
Protein change: p.Asp381His; replaces aspartic acid 381 with histidine.
Molecular consequence: missense variant.
Genome position (GRCh38, 1-based): chr9:95,114,642, C>G on the plus strand (G>C on the coding strand, the complement: FANCC is on the minus strand). VCF-style: chr9-95114642-C-G. GRCh37 (hg19) VCF-style: chr9-97876924-C-G.
Other names: c.1141G>C, p.Asp381His (NM_001243743.2, NM_001243744.2); short protein forms D381H.
Identifiers: ClinVar variation 4254380 (VCV004254380.1).